The following is an entry in ClinVar:

NM_003824.4(FADD):c.316G>A (p.Asp106Asn)

Gene: FADD (Fas associated via death domain; plus strand). Cytogenetic location: 11q13.3.
Variant type: single nucleotide variant.
Coding change: c.316G>A on transcript NM_003824.4 (MANE Select); coding-DNA position 316, G replaced by A.
Protein change: p.Asp106Asn; replaces aspartic acid 106 with asparagine.
Molecular consequence: missense variant.
Genome position (GRCh38, 1-based): chr11:70,206,162, G>A. VCF-style: chr11-70206162-G-A. GRCh37 (hg19) VCF-style: chr11-70052268-G-A.
Other names: short protein forms D106N.
Identifiers: ClinVar variation 1904081 (VCV001904081.5), dbSNP rs774301722, ClinGen allele CA6158462.

ClinVar aggregate classification (germline): Uncertain significance. Review status: criteria provided, multiple submitters, no conflicts (2 of 4 stars). 2 submissions from 2 submitters: Uncertain significance (2). Last evaluated 2025-06-17.

Conditions:
FADD-related immunodeficiency. Also called: Infections, recurrent, with encephalopathy, hepatic dysfunction, and cardiovascular malformations; FADD DEFICIENCY. Identifiers: Orphanet 306550, MedGen C3151062, MONDO:0013408, OMIM 613759.

Allele frequency attached by ClinVar (database versions not stated): ExAC 0.00001; gnomAD exomes below 0.00001; TOPMed 0.00001.

Submissions (2):

St. Jude Molecular Pathology, St. Jude Children's Research Hospital
Classification: Uncertain significance for FADD-related immunodeficiency. Last evaluated: 2025-06-17. Review status: criteria provided, single submitter. Criteria: St. Jude Assertion Criteria 2020. Collection method: clinical testing. Allele origin: germline.
Comment: The FADD c.316G>A (p.Asp106Asn) missense change has a maximum subpopulation frequency of 0.014% in gnomAD v2.1.1. The in silico tool REVEL is inconclusive about a pathogenic or benign effect of this variant on protein function, and to our knowledge functional studies have not been performed. To our knowledge, this variant has not been reported in individuals with FADD-related immunodeficiency. In summary, the evidence currently available is insufficient to determine the role of this variant. It has therefore been classified as of uncertain significance.

Labcorp Genetics (formerly Invitae), Labcorp
Classification: Uncertain significance for FADD-related immunodeficiency. Last evaluated: 2022-03-22. Review status: criteria provided, single submitter. Criteria: Invitae Variant Classification Sherloc (09022015). Collection method: clinical testing. Allele origin: germline.
Comment: This variant has not been reported in the literature in individuals affected with FADD-related conditions. In summary, the available evidence is currently insufficient to determine the role of this variant in disease. Therefore, it has been classified as a Variant of Uncertain Significance. Algorithms developed to predict the effect of missense changes on protein structure and function are either unavailable or do not agree on the potential impact of this missense change (SIFT: "Deleterious"; PolyPhen-2: "Possibly Damaging"; Align-GVGD: "Class C0"). This variant is present in population databases (rs774301722, gnomAD 0.01%). This sequence change replaces aspartic acid, which is acidic and polar, with asparagine, which is neutral and polar, at codon 106 of the FADD protein (p.Asp106Asn).